The following is an entry in ClinVar:

ClinVar aggregate classification (germline): Uncertain significance (1 of 4 stars; one submission).

Conditions:
Hereditary cancer-predisposing syndrome. Also called: Hereditary Cancer Syndrome; Hereditary neoplastic syndrome; Neoplastic Syndromes, Hereditary; Tumor predisposition. Identifiers: Orphanet 140162, MedGen C0027672, MeSH D009386, MONDO:0015356.

Submission:

Ambry Genetics
Classification: Uncertain significance for Hereditary cancer-predisposing syndrome. Last evaluated: 2025-09-01. Review status: criteria provided, single submitter. Criteria: Ambry Variant Classification Scheme 2023. Collection method: clinical testing. Allele origin: germline.
Comment: The p.Q1182E variant (also known as c.3544C>G), located in coding exon 20 of the DICER1 gene, results from a C to G substitution at nucleotide position 3544. The glutamine at codon 1182 is replaced by glutamic acid, an amino acid with highly similar properties. This amino acid position is conserved. In addition, this alteration is predicted to be tolerated by in silico analysis. Based on the available evidence, the clinical significance of this variant remains unclear.

NM_177438.3(DICER1):c.3544C>G (p.Gln1182Glu)

Gene: DICER1 (dicer 1, ribonuclease III; minus strand). Cytogenetic location: 14q32.13.
Variant type: single nucleotide variant.
Coding change: c.3544C>G on transcript NM_177438.3 (MANE Select); coding-DNA position 3544, C replaced by G.
Protein change: p.Gln1182Glu; replaces glutamine 1182 with glutamic acid.
Molecular consequence: missense variant. On other transcripts: non-coding transcript variant (6).
Genome position (GRCh38, 1-based): chr14:95,103,852, G>C on the plus strand (C>G on the coding strand, the complement: DICER1 is on the minus strand). VCF-style: chr14-95103852-G-C. GRCh37 (hg19) VCF-style: chr14-95570189-G-C.
Other names: c.3544C>G, p.Gln1182Glu (NM_001195573.1, NM_001271282.3, NM_001291628.2 and 12 more transcripts); c.3262C>G, p.Gln1088Glu (NM_001395686.1); c.3139C>G, p.Gln1047Glu (NM_001395687.1, NM_001395688.1, NM_001395689.1 and 2 more transcripts); c.2977C>G, p.Gln993Glu (NM_001395691.1); c.1861C>G, p.Gln621Glu (NM_001395697.1); short protein forms Q993E, Q1047E, Q1088E, Q621E, Q1182E.
Identifiers: ClinVar variation 4240538 (VCV004240538.1).